The following is an entry in ClinVar:

NM_005732.4(RAD50):c.2485A>C (p.Asn829His)

Gene: RAD50 (RAD50 double strand break repair protein; plus strand). Cytogenetic location: 5q31.1.
Variant type: single nucleotide variant.
Coding change: c.2485A>C on transcript NM_005732.4 (MANE Select); coding-DNA position 2485, A replaced by C.
Protein change: p.Asn829His; replaces asparagine 829 with histidine.
Molecular consequence: missense variant.
Genome position (GRCh38, 1-based): chr5:132,604,007, A>C. VCF-style: chr5-132604007-A-C. GRCh37 (hg19) VCF-style: chr5-131939699-A-C.
Other names: c.2485A>C (NM_005732.3); short protein forms N829H.
Identifiers: ClinVar variation 2064897 (VCV002064897.5), dbSNP rs1750935493, ClinGen allele CA360955746.
Genomic context (GRCh38, chr5:132,604,007, plus strand): 5'-ATTGCACAACAAGCAGCTAAGCTACAAGGAATAGACTTAGATCGAACTGTCCAACAAGTC[A>C]ACCAGGAGAAACAAGAGAAACAGCACAAGTTAGACACAGGTAATACAGTCTGTGTCCTTC-3'
Protein context (NP_005723.2, residues 819-839): IDLDRTVQQV[Asn829His]QEKQEKQHKL

ClinVar aggregate classification (germline): Uncertain significance. Review status: criteria provided, multiple submitters, no conflicts (2 of 4 stars). 2 submissions from 2 submitters: Uncertain significance (2). Last evaluated 2025-02-13.

Conditions:
Hereditary cancer-predisposing syndrome. Also called: Tumor predisposition; Hereditary neoplastic syndrome; Neoplastic Syndromes, Hereditary; Hereditary Cancer Syndrome. Identifiers: Orphanet 140162, MedGen C0027672, MeSH D009386, MONDO:0015356.

Allele frequency attached by ClinVar (database versions not stated): TOPMed below 0.00001.

Submissions (2):

Ambry Genetics
Classification: Uncertain significance for Hereditary cancer-predisposing syndrome. Last evaluated: 2025-02-13. Review status: criteria provided, single submitter. Criteria: Ambry Variant Classification Scheme 2023. Collection method: clinical testing. Allele origin: germline.
Comment: The p.N829H variant (also known as c.2485A>C), located in coding exon 15 of the RAD50 gene, results from an A to C substitution at nucleotide position 2485. The asparagine at codon 829 is replaced by histidine, an amino acid with similar properties. This amino acid position is conserved. In addition, this alteration is predicted to be tolerated by in silico analysis. Based on the available evidence, the clinical significance of this variant remains unclear.

Labcorp Genetics (formerly Invitae), Labcorp
Classification: Uncertain significance for Hereditary cancer-predisposing syndrome. Last evaluated: 2023-03-18. Review status: criteria provided, single submitter. Criteria: Invitae Variant Classification Sherloc (09022015). Collection method: clinical testing. Allele origin: germline.
Comment: This sequence change replaces asparagine, which is neutral and polar, with histidine, which is basic and polar, at codon 829 of the RAD50 protein (p.Asn829His). This variant is not present in population databases (gnomAD no frequency). In summary, the available evidence is currently insufficient to determine the role of this variant in disease. Therefore, it has been classified as a Variant of Uncertain Significance. Advanced modeling of protein sequence and biophysical properties (such as structural, functional, and spatial information, amino acid conservation, physicochemical variation, residue mobility, and thermodynamic stability) performed at Invitae indicates that this missense variant is not expected to disrupt RAD50 protein function. ClinVar contains an entry for this variant (Variation ID: 2064897). This variant has not been reported in the literature in individuals affected with RAD50-related conditions.